The following is an entry in ClinVar:

ClinVar aggregate classification (germline): Uncertain significance (1 of 4 stars; one submission).

Allele frequency attached by ClinVar (database versions not stated): gnomAD exomes below 0.00001; TOPMed below 0.00001; gnomAD 0.00001.
gnomAD v4.1: 2 of 1,613,972 alleles (0.00012%); highest among the groups gnomAD compares: Non-Finnish European, 0.00017%; no homozygotes.

Submission:

Labcorp Genetics (formerly Invitae), Labcorp
Classification: Uncertain significance. Last evaluated: 2020-12-11. Review status: criteria provided, single submitter. Criteria: Invitae Variant Classification Sherloc (09022015). Collection method: clinical testing. Allele origin: germline.
Comment: This variant has not been reported in the literature in individuals with TRPM1-related conditions. This variant is not present in population databases (ExAC no frequency). This sequence change replaces proline with leucine at codon 603 of the TRPM1 protein (p.Pro603Leu). The proline residue is highly conserved and there is a moderate physicochemical difference between proline and leucine. Algorithms developed to predict the effect of missense changes on protein structure and function are either unavailable or do not agree on the potential impact of this missense change (SIFT: "Deleterious"; PolyPhen-2: "Possibly Damaging"; Align-GVGD: "Class C15"). In summary, the available evidence is currently insufficient to determine the role of this variant in disease. Therefore, it has been classified as a Variant of Uncertain Significance.

NM_001252024.2(TRPM1):c.1874C>T (p.Pro625Leu)

Gene: TRPM1 (transient receptor potential cation channel subfamily M member 1; minus strand). Cytogenetic location: 15q13.3.
Variant type: single nucleotide variant.
Coding change: c.1874C>T on transcript NM_001252024.2 (MANE Select); coding-DNA position 1874, C replaced by T.
Protein change: p.Pro625Leu; replaces proline 625 with leucine.
Molecular consequence: missense variant.
Genome position (GRCh38, 1-based): chr15:31,042,164, G>A on the plus strand (C>T on the coding strand, the complement: TRPM1 is on the minus strand). VCF-style: chr15-31042164-G-A. GRCh37 (hg19) VCF-style: chr15-31334367-G-A.
Other names: c.1925C>T, p.Pro642Leu (NM_001252020.2); c.1808C>T, p.Pro603Leu (NM_002420.6); short protein forms P625L, P642L, P603L.
Identifiers: ClinVar variation 1497971 (VCV001497971.8), dbSNP rs1205029228, ClinGen allele CA391512551.
Genomic context (GRCh38, chr15:31,042,164, plus strand): 5'-TTCATCAGCACTGCCCACACCATCAGCTCGTGGAAGGGATACTGGAACCGACTCACGGCA[G>A]GGTCGTCCACATCAATGTCGATCTCTTCCTCCTTTTTCTTCTTTTTCTTTTTCTTCCCTT-3'
Protein context (NP_001238953.1, residues 615-635): EEEIDIDVDD[Pro625Leu]AVSRFQYPFH